The following is an entry in ClinVar:

NM_003579.4(RAD54L):c.265T>C (p.Tyr89His)

Gene: RAD54L (RAD54 like; plus strand). Cytogenetic location: 1p34.1.
Variant type: single nucleotide variant.
Coding change: c.265T>C on transcript NM_003579.4 (MANE Select); coding-DNA position 265, T replaced by C.
Protein change: p.Tyr89His; replaces tyrosine 89 with histidine.
Molecular consequence: missense variant. On other transcripts: 5 prime UTR variant (1).
Genome position (GRCh38, 1-based): chr1:46,258,740, T>C. VCF-style: chr1-46258740-T-C. GRCh37 (hg19) VCF-style: chr1-46724412-T-C.
Other names: c.265T>C, p.Tyr89His (NM_001142548.2); c.-276T>C (NM_001370766.1); short protein forms Y89H.
Identifiers: ClinVar variation 2496813 (VCV002496813.2), dbSNP rs2525660664, ClinGen allele CA340181018.

ClinVar aggregate classification (germline): Uncertain significance (1 of 4 stars; one submission).

gnomAD v4.1: 4 of 1,597,548 alleles (0.00025%); highest among the groups gnomAD compares: Non-Finnish European, 0.00034%; no homozygotes.

Submission:

Ambry Genetics
Classification: Uncertain significance. Last evaluated: 2023-01-04. Review status: criteria provided, single submitter. Criteria: Ambry Variant Classification Scheme 2023. Collection method: clinical testing. Allele origin: germline.
Comment: The p.Y89H variant (also known as c.265T>C), located in coding exon 4 of the RAD54L gene, results from a T to C substitution at nucleotide position 265. The tyrosine at codon 89 is replaced by histidine, an amino acid with similar properties. This amino acid position is conserved. In addition, the in silico prediction for this alteration is inconclusive. Since supporting evidence is limited at this time, the clinical significance of this alteration remains unclear.